The following is an entry in ClinVar:

NM_000426.4(LAMA2):c.7430G>A (p.Arg2477Lys)

Gene: LAMA2 (laminin subunit alpha 2; plus strand). Cytogenetic location: 6q22.33.
Variant type: single nucleotide variant.
Coding change: c.7430G>A on transcript NM_000426.4 (MANE Select); coding-DNA position 7430, G replaced by A.
Protein change: p.Arg2477Lys; replaces arginine 2477 with lysine.
Molecular consequence: missense variant.
Genome position (GRCh38, 1-based): chr6:129,473,343, G>A. VCF-style: chr6-129473343-G-A. GRCh37 (hg19) VCF-style: chr6-129794488-G-A.
Other names: c.7430G>A, p.Arg2477Lys (NM_001079823.2); short protein forms R2477K.
Identifiers: ClinVar variation 2121949 (VCV002121949.4), dbSNP rs2533459873, ClinGen allele CA365624673.

ClinVar aggregate classification (germline): Uncertain significance (1 of 4 stars; one submission).

Conditions:
LAMA2-related muscular dystrophy (LAMA2-RD). Also called: Laminin alpha 2-related dystrophy. Identifiers: MedGen C5679788, MONDO:0100228.

Submission:

Labcorp Genetics (formerly Invitae), Labcorp
Classification: Uncertain significance for LAMA2-related muscular dystrophy. Last evaluated: 2022-04-06. Review status: criteria provided, single submitter. Criteria: Invitae Variant Classification Sherloc (09022015). Collection method: clinical testing. Allele origin: germline.
Comment: In summary, the available evidence is currently insufficient to determine the role of this variant in disease. Therefore, it has been classified as a Variant of Uncertain Significance. Advanced modeling of protein sequence and biophysical properties (such as structural, functional, and spatial information, amino acid conservation, physicochemical variation, residue mobility, and thermodynamic stability) performed at Invitae indicates that this missense variant is not expected to disrupt LAMA2 protein function. This variant has not been reported in the literature in individuals affected with LAMA2-related conditions. This variant is not present in population databases (gnomAD no frequency). This sequence change replaces arginine, which is basic and polar, with lysine, which is basic and polar, at codon 2477 of the LAMA2 protein (p.Arg2477Lys).